The following is an entry in ClinVar:

NM_000038.6(APC):c.1958+1133T>G

Gene: APC (APC regulator of WNT signaling pathway; plus strand). Cytogenetic location: 5q22.2.
Variant type: single nucleotide variant.
Coding change: c.1958+1133T>G on transcript NM_000038.6 (MANE Select); 1133 bases into the intron after coding-DNA position 1958, T replaced by G.
Molecular consequence: intron variant.
Genome position (GRCh38, 1-based): chr5:112,836,298, T>G. VCF-style: chr5-112836298-T-G. GRCh37 (hg19) VCF-style: chr5-112171995-T-G.
Other names: c.1958+1133T>G (NM_001354895.2, NM_001127510.3); c.1988+1133T>G (NM_001354897.2); c.1685+1133T>G (NM_001354902.2); c.1904+1133T>G (NM_001127511.3); c.1883+1133T>G (NM_001354898.2); c.1580+1133T>G (NM_001354904.2); c.1109+1133T>G (NM_001354906.2); c.2012+1133T>G (NM_001354896.2); and 5 more.
Identifiers: ClinVar variation 82626 (VCV000082626.2), dbSNP rs75499375, ClinGen allele CA006619.

ClinVar aggregate classification (germline): other (0 of 4 stars; one submission).

Conditions:
Familial colorectal cancer. Identifiers: MedGen CN280943, MONDO:0023113. Disease mechanism: loss of function.

Submission:

Systems Biology Platform Zhejiang California International NanoSystems Institute
Classification: other for Familial colorectal cancer. Review status: no assertion criteria provided. Collection method: not provided. Allele origin: unknown.
ClinVar note: Converted during submission from cancer to other.